The following is an entry in ClinVar:

ClinVar aggregate classification (germline): Benign. Review status: criteria provided, multiple submitters, no conflicts (2 of 4 stars). 7 submissions from 7 submitters: Benign (6). 1 of the submissions does not count toward it. Last evaluated 2026-02-04.

Conditions:
Hermansky-Pudlak syndrome (HPS). Also called: ALBINISM WITH HEMORRHAGIC DIATHESIS AND PIGMENTED RETICULOENDOTHELIAL CELLS. Identifiers: Orphanet 79430, MedGen C0079504, MONDO:0019312.
Hermansky-Pudlak syndrome 1 (HPS1). Also called: DELTA STORAGE POOL DISEASE. Identifiers: Orphanet 231500, Orphanet 79430, MedGen C2931875, MONDO:0008748, OMIM 203300.

Allele frequency attached by ClinVar (database versions not stated): TOPMed 0.01439; ESP Exome Variant Server 0.01530; 1000 Genomes Project 30x 0.03389; 1000 Genomes Project 0.03454.
gnomAD v4.1: 18,499 of 1,614,126 alleles (1.1%); highest among the groups gnomAD compares: South Asian, 7%; 405 homozygotes.

Submissions (7):

Labcorp Genetics (formerly Invitae), Labcorp
Classification: Benign. Last evaluated: 2026-02-04. Review status: criteria provided, single submitter. Criteria: Invitae Variant Classification Sherloc (09022015). Collection method: clinical testing. Allele origin: germline.

Mayo Clinic Laboratories, Mayo Clinic
Classification: Benign. Last evaluated: 2024-05-11. Review status: criteria provided, single submitter. Criteria: ACMG Guidelines, 2015. Collection method: clinical testing. Allele origin: germline. Observed: 16 variant alleles.

GeneDx
Classification: Benign. Last evaluated: 2019-05-18. Review status: criteria provided, single submitter. Criteria: GeneDx Variant Classification Process June 2021. Collection method: clinical testing. Allele origin: germline. Affected: yes.

Illumina Laboratory Services, Illumina
Classification: Benign for Hermansky-Pudlak syndrome 1. Last evaluated: 2018-01-13. Review status: criteria provided, single submitter. Criteria: ICSL Variant Classification Criteria 13 December 2019. Collection method: clinical testing. Allele origin: germline.
Comment: This variant was observed in the ICSL laboratory as part of a predisposition screen in an ostensibly healthy population. It had not been previously curated by ICSL or reported in the Human Gene Mutation Database (HGMD: prior to June 1st, 2018), and was therefore a candidate for classification through an automated scoring system. Utilizing variant allele frequency, disease prevalence and penetrance estimates, and inheritance mode, an automated score was calculated to assess if this variant is too frequent to cause the disease. Based on the score and internal cut-off values, a variant classified as benign is not then subjected to further curation. The score for this variant resulted in a classification of benign for this disease.

Breakthrough Genomics
Classification: Benign. Review status: criteria provided, single submitter. Criteria: ACMG Guidelines, 2015. Collection method: not provided. Allele origin: germline. Inheritance: Autosomal recessive inheritance. Affected: yes.

PreventionGenetics, part of Exact Sciences
Classification: Benign. Review status: criteria provided, single submitter. Criteria: ACMG Guidelines, 2015. Collection method: clinical testing. Allele origin: germline.

Natera, Inc.
Classification: Benign for Hermansky-Pudlak syndrome. Last evaluated: 2019-11-26. Review status: no assertion criteria provided. Collection method: clinical testing. Allele origin: germline. Not counted in ClinVar's aggregate classification.

NM_000195.5(HPS1):c.1527C>G (p.Leu509=)

Gene: HPS1 (HPS1 biogenesis of lysosomal organelles complex 3 subunit 1; minus strand). Cytogenetic location: 10q24.2.
Variant type: single nucleotide variant.
Coding change: c.1527C>G on transcript NM_000195.5 (MANE Select); coding-DNA position 1527, C replaced by G.
Protein change: p.Leu509=; no amino-acid change (leucine 509 retained).
Molecular consequence: synonymous variant.
Genome position (GRCh38, 1-based): chr10:98,423,758, G>C on the plus strand (C>G on the coding strand, the complement: HPS1 is on the minus strand). VCF-style: chr10-98423758-G-C. GRCh37 (hg19) VCF-style: chr10-100183515-G-C.
Other names: p.Leu509=; c.555C>G, p.Leu185= (NM_001311345.2, NM_001322487.2, NM_001322489.2); c.1527C>G, p.Leu509= (NM_001322476.2, NM_001322477.2); c.1428C>G, p.Leu476= (NM_001322478.2, NM_001322479.2); c.1266C>G, p.Leu422= (NM_001322480.2, NM_001322481.2); c.1167C>G, p.Leu389= (NM_001322482.2); c.1158C>G, p.Leu386= (NM_001322483.2, NM_001322484.2); c.1059C>G, p.Leu353= (NM_001322485.2).
Identifiers: ClinVar variation 255501 (VCV000255501.19), dbSNP rs17109850, ClinGen allele CA5639005.